The following is an entry in ClinVar:

ClinVar aggregate classification (germline): Conflicting classifications of pathogenicity. Review status: criteria provided, conflicting classifications (1 of 4 stars). 4 submissions from 4 submitters: Likely pathogenic (1); Uncertain significance (3). Last evaluated 2025-11-25.

Conditions:
Very long chain acyl-CoA dehydrogenase deficiency (ACADVLD). Also called: Very Long-Chain Acyl-Coenzyme A Dehydrogenase Deficiency; VLCAD Deficiency. Identifiers: Orphanet 26793, MedGen C3887523, MONDO:0008723, OMIM 201475.

Allele frequency attached by ClinVar (database versions not stated): gnomAD 0.00001; gnomAD exomes 0.00002.
gnomAD v4.1: 15 of 1,612,710 alleles (0.00093%); highest among the groups gnomAD compares: Non-Finnish European, 0.0012%; no homozygotes.

Submissions (4):

Labcorp Genetics (formerly Invitae), Labcorp
Classification: Uncertain significance for Very long chain acyl-CoA dehydrogenase deficiency. Last evaluated: 2025-11-25. Review status: criteria provided, single submitter. Criteria: Invitae Variant Classification Sherloc (09022015). Collection method: clinical testing. Allele origin: germline.
Comment: This sequence change replaces methionine, which is neutral and non-polar, with valine, which is neutral and non-polar, at codon 352 of the ACADVL protein (p.Met352Val). This variant is not present in population databases (gnomAD no frequency). This missense change has been observed in individual(s) with clinical features of VLCAD deficiency (PMID: 9973285, 35193651). This variant is also known as M312V. ClinVar contains an entry for this variant (Variation ID: 2851878). Invitae Evidence Modeling of protein sequence and biophysical properties (such as structural, functional, and spatial information, amino acid conservation, physicochemical variation, residue mobility, and thermodynamic stability) has been performed for this missense variant. However, the output from this modeling did not meet the statistical confidence thresholds required to predict the impact of this variant on ACADVL protein function. This variant disrupts the p.Met352 amino acid residue in ACADVL. Other variant(s) that disrupt this residue have been determined to be pathogenic (PMID: 32710939, 35193651). This suggests that this residue is clinically significant, and that variants that disrupt this residue are likely to be disease-causing. In summary, the available evidence is currently insufficient to determine the role of this variant in disease. Therefore, it has been classified as a Variant of Uncertain Significance.

Women's Health and Genetics/Laboratory Corporation of America, LabCorp
Classification: Uncertain significance. Last evaluated: 2024-07-18. Review status: criteria provided, single submitter. Criteria: LabCorp Variant Classification Summary - May 2015. Collection method: clinical testing. Allele origin: germline.
Comment: Variant summary: ACADVL c.1054A>G (p.Met352Val) results in a conservative amino acid change located in the Acyl-CoA dehydrogenase/oxidase, C-terminal domain (IPR009075) of the encoded protein sequence. Three of five in-silico tools predict a benign effect of the variant on protein function. The variant was absent in 250952 control chromosomes. The available data on variant occurrences in the general population are insufficient to allow any conclusion about variant significance. c.1054A>G has been reported in the literature in an unknown or presumed compound heterozygous state in at least 2 individuals affected with Very Long Chain Acyl-CoA Dehydrogenase Deficiency (example, Andresen_1999, Huang_2022), including in at least 1 individual undergoing newborn screening. These report(s) do not provide unequivocal conclusions about association of the variant with Very Long Chain Acyl-CoA Dehydrogenase Deficiency. To our knowledge, no experimental evidence demonstrating an impact on protein function has been reported. The following publications have been ascertained in the context of this evaluation (PMID: 9973285, 35193651). ClinVar contains an entry for this variant (Variation ID: 2851878). Based on the evidence outlined above, the variant was classified as uncertain significance.

Foundation for Research in Genetics and Endocrinology, FRIGE's Institute of Human Genetics
Classification: Likely pathogenic for Very long chain acyl-CoA dehydrogenase deficiency. Last evaluated: 2024-06-22. Review status: criteria provided, single submitter. Criteria: ACMG Guidelines, 2015. Collection method: clinical testing. Allele origin: germline. Inheritance: Autosomal recessive inheritance. Affected: yes. Observed: 1 homozygote.
Comment: A Homozygous missense variation in exon 10 of the ACADVL gene that results in the amino acid substitution of Valine for Methionine at codon 352 was detected. The observed variant c.1054A>G (p.Met352Val) has not been reported in the 1000 genomes, gnomAD (v2.1) and topmed databases and has a minor allele frequency of 0.001% in the gnomAD (v3.1) database. The in silico prediction of the variant are damaging by SIFT, LRT and MutationTaster2. The reference codon is conserved across species. In summary, the variant meets our criteria to be classified as likely pathogenic.

Revvity Omics, Revvity
Classification: Uncertain significance for Very long chain acyl-CoA dehydrogenase deficiency. Last evaluated: 2023-12-11. Review status: criteria provided, single submitter. Criteria: ACMG Guidelines, 2015. Collection method: clinical testing. Allele origin: germline.

Literature cited by the submitters: PubMed 9973285 (cited by Labcorp Genetics (formerly Invitae), Labcorp and Women's Health and Genetics/Laboratory Corporation of America, LabCorp); PubMed 35193651 (cited by Labcorp Genetics (formerly Invitae), Labcorp and Women's Health and Genetics/Laboratory Corporation of America, LabCorp); PubMed 32710939 (cited by Labcorp Genetics (formerly Invitae), Labcorp).

NM_000018.4(ACADVL):c.1054A>G (p.Met352Val)

Gene: ACADVL (acyl-CoA dehydrogenase very long chain; plus strand). Cytogenetic location: 17p13.1.
Variant type: single nucleotide variant.
Coding change: c.1054A>G on transcript NM_000018.4 (MANE Select); coding-DNA position 1054, A replaced by G.
Protein change: p.Met352Val; replaces methionine 352 with valine.
Molecular consequence: missense variant.
Genome position (GRCh38, 1-based): chr17:7,222,842, A>G. VCF-style: chr17-7222842-A-G. GRCh37 (hg19) VCF-style: chr17-7126161-A-G.
Other names: p.Met352Val; c.988A>G, p.Met330Val (NM_001033859.3); c.1123A>G, p.Met375Val (NM_001270447.2); c.826A>G, p.Met276Val (NM_001270448.2); short protein forms M375V, M330V, M352V, M276V.
Identifiers: ClinVar variation 2851878 (VCV002851878.7), dbSNP rs2071296420, ClinGen allele CA397724248.